The following is an entry in ClinVar:

NM_004082.5(DCTN1):c.2431C>T (p.Pro811Ser)

Gene: DCTN1 (dynactin subunit 1; minus strand). Cytogenetic location: 2p13.1.
Variant type: single nucleotide variant.
Coding change: c.2431C>T on transcript NM_004082.5 (MANE Select); coding-DNA position 2431, C replaced by T.
Protein change: p.Pro811Ser; replaces proline 811 with serine.
Molecular consequence: missense variant. On other transcripts: non-coding transcript variant (1).
Genome position (GRCh38, 1-based): chr2:74,366,818, G>A on the plus strand (C>T on the coding strand, the complement: DCTN1 is on the minus strand). VCF-style: chr2-74366818-G-A. GRCh37 (hg19) VCF-style: chr2-74593945-G-A.
Other names: c.2371C>T, p.Pro791Ser (NM_001135040.3); c.2029C>T, p.Pro677Ser (NM_001135041.3, NM_023019.4); c.2320C>T, p.Pro774Ser (NM_001190836.2); c.2410C>T, p.Pro804Ser (NM_001190837.2); c.2380C>T, p.Pro794Ser (NM_001378991.1); c.2362C>T, p.Pro788Ser (NM_001378992.1); short protein forms P774S, P788S, P794S, P677S, P791S, P804S, P811S.
Identifiers: ClinVar variation 4995938 (VCV004995938.1).

ClinVar aggregate classification (germline): Uncertain significance (1 of 4 stars; one submission).

Conditions:
DCTN1-related disorder. Also called: DCTN1-related condition.

Submission:

PreventionGenetics, part of Exact Sciences
Classification: Uncertain significance for DCTN1-related condition. Last evaluated: 2025-11-01. Review status: criteria provided, single submitter. Criteria: ACMG Guidelines, 2015. Collection method: clinical testing. Allele origin: germline.
Comment: The DCTN1 c.2431C>T variant is predicted to result in the amino acid substitution p.Pro811Ser. To our knowledge, this variant has not been reported in the literature. This variant is reported in 0.00088% of alleles in individuals of European (Non-Finnish) descent in gnomAD. At this time, the clinical significance of this variant is uncertain due to the absence of conclusive functional and genetic evidence.